The following is an entry in ClinVar:

ClinVar aggregate classification (germline): Likely benign (1 of 4 stars; one submission).

Submission:

CeGaT Center for Human Genetics Tuebingen
Classification: Likely benign. Last evaluated: 2024-10-01. Review status: criteria provided, single submitter. Criteria: CeGaT Center For Human Genetics Tuebingen Variant Classification Criteria Version 2. Collection method: clinical testing. Allele origin: germline. Affected: yes. Observed: 1 variant allele.
Comment: CTBP1: PM2:Supporting, BP4, BP7

NM_001012614.2(CTBP1):c.1083T>G (p.Pro361=)

Genes: CTBP1 (C-terminal binding protein 1; minus strand), CTBP1-AS (CTBP1 antisense RNA; plus strand). Cytogenetic location: 4p16.3.
Variant type: single nucleotide variant.
Coding change: c.1083T>G on transcript NM_001012614.2 (MANE Select); coding-DNA position 1083, T replaced by G.
Protein change: p.Pro361=; no amino-acid change (proline 361 retained).
Molecular consequence: synonymous variant.
Genome position (GRCh38, 1-based): chr4:1,212,936, A>C on the plus strand (T>G on the coding strand, the complement: CTBP1 is on the minus strand). VCF-style: chr4-1212936-A-C. GRCh37 (hg19) VCF-style: chr4-1206724-A-C.
Other names: c.1116T>G, p.Pro372= (NM_001328.3, NM_001377186.1); c.1083T>G, p.Pro361= (NM_001377187.1, NM_001377188.1, NM_001377189.1 and 4 more transcripts).
Identifiers: ClinVar variation 3389069 (VCV003389069.14).